The following is an entry in ClinVar:

NM_001367561.1(DOCK7):c.5530C>T (p.Arg1844Cys)

Gene: DOCK7 (dedicator of cytokinesis 7; minus strand). Cytogenetic location: 1p31.3.
Variant type: single nucleotide variant.
Coding change: c.5530C>T on transcript NM_001367561.1 (MANE Select); coding-DNA position 5530, C replaced by T.
Protein change: p.Arg1844Cys; replaces arginine 1844 with cysteine.
Molecular consequence: missense variant.
Genome position (GRCh38, 1-based): chr1:62,477,804, G>A on the plus strand (C>T on the coding strand, the complement: DOCK7 is on the minus strand). VCF-style: chr1-62477804-G-A. GRCh37 (hg19) VCF-style: chr1-62943475-G-A.
Other names: c.5497C>T, p.Arg1833Cys (NM_001271999.2); c.5410C>T, p.Arg1804Cys (NM_001272000.2); c.5404C>T, p.Arg1802Cys (NM_001272001.2); c.5503C>T, p.Arg1835Cys (NM_001330614.2); c.5437C>T, p.Arg1813Cys (NM_033407.4); short protein forms R1802C, R1844C, R1813C, R1804C, R1833C, R1835C.
Identifiers: ClinVar variation 1037104 (VCV001037104.9), dbSNP rs867201122, ClinGen allele CA23750537.

ClinVar aggregate classification (germline): Uncertain significance (1 of 4 stars; one submission).

Conditions:
Developmental and epileptic encephalopathy, 23 (DEE23). Also called: Epileptic encephalopathy, early infantile, 23. Identifiers: Orphanet 411986, MedGen C4014492, MONDO:0014371, OMIM 615859.

Submission:

Labcorp Genetics (formerly Invitae), Labcorp
Classification: Uncertain significance for Developmental and epileptic encephalopathy, 23. Last evaluated: 2020-07-07. Review status: criteria provided, single submitter. Criteria: Invitae Variant Classification Sherloc (09022015). Collection method: clinical testing. Allele origin: germline.
Comment: This sequence change replaces arginine with cysteine at codon 1833 of the DOCK7 protein (p.Arg1833Cys). The arginine residue is highly conserved and there is a large physicochemical difference between arginine and cysteine. This variant is not present in population databases (ExAC no frequency). This variant has not been reported in the literature in individuals with DOCK7-related conditions. Algorithms developed to predict the effect of missense changes on protein structure and function (SIFT, PolyPhen-2, Align-GVGD) all suggest that this variant is likely to be disruptive, but these predictions have not been confirmed by published functional studies and their clinical significance is uncertain. In summary, the available evidence is currently insufficient to determine the role of this variant in disease. Therefore, it has been classified as a Variant of Uncertain Significance.